The following is an entry in ClinVar:

ClinVar aggregate classification (germline): Uncertain significance (1 of 4 stars; one submission).

gnomAD v4.1: 1 of 1,612,542 alleles (0.000062%); highest among the groups gnomAD compares: Non-Finnish European, 0.000085%; no homozygotes.

Submission:

Labcorp Genetics (formerly Invitae), Labcorp
Classification: Uncertain significance. Last evaluated: 2024-10-14. Review status: criteria provided, single submitter. Criteria: Invitae Variant Classification Sherloc (09022015). Collection method: clinical testing. Allele origin: germline.
Comment: This sequence change replaces alanine, which is neutral and non-polar, with glycine, which is neutral and non-polar, at codon 2445 of the MACF1 protein (p.Ala2445Gly). This variant is not present in population databases (gnomAD no frequency). This variant has not been reported in the literature in individuals affected with MACF1-related conditions. An algorithm developed to predict the effect of missense changes on protein structure and function (PolyPhen-2) suggests that this variant is likely to be disruptive. In summary, the available evidence is currently insufficient to determine the role of this variant in disease. Therefore, it has been classified as a Variant of Uncertain Significance.

NM_001394062.1(MACF1):c.13520C>G (p.Ala4507Gly)

Gene: MACF1 (microtubule actin crosslinking factor 1; plus strand). Cytogenetic location: 1p34.3.
Variant type: single nucleotide variant.
Coding change: c.13520C>G on transcript NM_001394062.1 (MANE Select); coding-DNA position 13520, C replaced by G.
Protein change: p.Ala4507Gly; replaces alanine 4507 with glycine.
Molecular consequence: missense variant.
Genome position (GRCh38, 1-based): chr1:39,380,245, C>G. VCF-style: chr1-39380245-C-G. GRCh37 (hg19) VCF-style: chr1-39845917-C-G.
Other names: c.7334C>G, p.Ala2445Gly (NM_012090.5); short protein forms A2445G, A4507G.
Identifiers: ClinVar variation 3690759 (VCV003690759.2).